The following is an entry in ClinVar:

NM_001128840.3(CACNA1D):c.2426G>C (p.Arg809Thr)

Gene: CACNA1D (calcium voltage-gated channel subunit alpha1 D; plus strand). Cytogenetic location: 3p21.1.
Variant type: single nucleotide variant.
Coding change: c.2426G>C on transcript NM_001128840.3 (MANE Select); coding-DNA position 2426, G replaced by C.
Protein change: p.Arg809Thr; replaces arginine 809 with threonine.
Molecular consequence: missense variant.
Genome position (GRCh38, 1-based): chr3:53,732,035, G>C. VCF-style: chr3-53732035-G-C. GRCh37 (hg19) VCF-style: chr3-53766062-G-C.
Other names: c.2486G>C, p.Arg829Thr (NM_000720.4); c.2426G>C, p.Arg809Thr (NM_001128839.3); short protein forms R809T, R829T.
Identifiers: ClinVar variation 1713902 (VCV001713902.5), dbSNP rs2094998310, ClinGen allele CA353241041.

ClinVar aggregate classification (germline): Uncertain significance (1 of 4 stars; one submission).

Submission:

Labcorp Genetics (formerly Invitae), Labcorp
Classification: Uncertain significance. Last evaluated: 2022-07-27. Review status: criteria provided, single submitter. Criteria: Invitae Variant Classification Sherloc (09022015). Collection method: clinical testing. Allele origin: germline.
Comment: This variant is not present in population databases (gnomAD no frequency). This sequence change replaces arginine, which is basic and polar, with threonine, which is neutral and polar, at codon 829 of the CACNA1D protein (p.Arg829Thr). This variant has not been reported in the literature in individuals affected with CACNA1D-related conditions. In summary, the available evidence is currently insufficient to determine the role of this variant in disease. Therefore, it has been classified as a Variant of Uncertain Significance. Algorithms developed to predict the effect of missense changes on protein structure and function (SIFT, PolyPhen-2, Align-GVGD) all suggest that this variant is likely to be tolerated.